The following is an entry in ClinVar:

NM_007363.5(NONO):c.154+7A>G

Gene: NONO (non-POU domain containing octamer binding; plus strand). Cytogenetic location: Xq13.1.
Variant type: single nucleotide variant.
Coding change: c.154+7A>G on transcript NM_007363.5 (MANE Select); 7 bases into the intron after coding-DNA position 154, A replaced by G.
Molecular consequence: intron variant.
Genome position (GRCh38, 1-based): chrX:71,290,798, A>G. VCF-style: chrX-71290798-A-G. GRCh37 (hg19) VCF-style: chrX-70510648-A-G.
Other names: c.154+7A>G (NM_001145408.2, NM_001145409.2); c.-113-981A>G (NM_001145410.2).
Identifiers: ClinVar variation 3662489 (VCV003662489.2).

ClinVar aggregate classification (germline): Uncertain significance (1 of 4 stars; one submission).

Submission:

Labcorp Genetics (formerly Invitae), Labcorp
Classification: Uncertain significance. Last evaluated: 2024-12-16. Review status: criteria provided, single submitter. Criteria: Invitae Variant Classification Sherloc (09022015). Collection method: clinical testing. Allele origin: germline.
Comment: This sequence change falls in intron 4 of the NONO gene. It does not directly change the encoded amino acid sequence of the NONO protein. This variant is not present in population databases (gnomAD no frequency). This variant has not been reported in the literature in individuals affected with NONO-related conditions. Algorithms developed to predict the effect of sequence changes on RNA splicing suggest that this variant may disrupt the consensus splice site. In summary, the available evidence is currently insufficient to determine the role of this variant in disease. Therefore, it has been classified as a Variant of Uncertain Significance.